The following continues an entry in ClinVar:

NM_000431.4(MVK):c.1129G>A (p.Val377Ile)

Gene: MVK. ClinVar aggregate classification (germline): Pathogenic/Likely pathogenic. Pathogenic (41); Likely pathogenic (5).

Submission 54 of 54:

Joint Genome Diagnostic Labs from Nijmegen and Maastricht, Radboudumc and MUMC+
Classification: Pathogenic. Review status: no assertion criteria provided. Collection method: clinical testing. Allele origin: germline. Affected: yes. Study: VKGL Data-share Consensus. Not counted in ClinVar's aggregate classification.

Literature cited by the submitters: PubMed 10369261 (cited by 13 submitters); PubMed 11313769 (cited by 8 submitters); PubMed 12634869 (cited by 9 submitters); PubMed 15536479 (cited by 6 submitters); PubMed 26977311 (cited by 8 submitters); PubMed 24233262 (cited by 3 submitters); PubMed 22038276 (cited by 4 submitters); PubMed 25866490 (cited by 3 submitters); PubMed 24177804 (cited by 4 submitters); PubMed 25708585 (cited by 4 submitters); PubMed 23979089 (cited by 6 submitters); PubMed 24470648 (cited by 4 submitters); PubMed 31474985 (cited by 4 submitters); PubMed 10896296 (cited by 3 submitters); PubMed 27213830 (cited by Mayo Clinic Laboratories, Mayo Clinic and Pittsburgh Clinical Genomics Laboratory, University of Pittsburgh Medical Center); PubMed 34525209 (cited by 3 submitters); PubMed 34809655 (cited by 3 submitters); PubMed 35387795 (cited by 4 submitters); PubMed 35418827 (cited by Mayo Clinic Laboratories, Mayo Clinic and Institute of Human Genetics, Univ. Regensburg, Univ. Regensburg); PubMed 35720358 (cited by Mayo Clinic Laboratories, Mayo Clinic and Institute of Human Genetics, Univ. Regensburg, Univ. Regensburg); PubMed 36242899 (cited by Mayo Clinic Laboratories, Mayo Clinic and Institute of Human Genetics, Univ. Regensburg, Univ. Regensburg); PubMed 36788924 (cited by Mayo Clinic Laboratories, Mayo Clinic); PubMed 26986117 (cited by Pittsburgh Clinical Genomics Laboratory, University of Pittsburgh Medical Center and Dasa); PubMed 12444096 (cited by Pittsburgh Clinical Genomics Laboratory, University of Pittsburgh Medical Center and OMIM); PubMed 10369262 (cited by 3 submitters); PubMed 24360083 (cited by 3 submitters); PubMed 17105862 (cited by Pittsburgh Clinical Genomics Laboratory, University of Pittsburgh Medical Center and Dasa); PubMed 32822427 (cited by 5 submitters); PubMed 24561416 (cited by 3 submitters); PubMed 33917151 (cited by Pittsburgh Clinical Genomics Laboratory, University of Pittsburgh Medical Center and Dasa); PubMed 13130485 (cited by Institute of Human Genetics, Univ. Regensburg, Univ. Regensburg); PubMed 15657603 (cited by Institute of Human Genetics, Univ. Regensburg, Univ. Regensburg); PubMed 18839211 (cited by Institute of Human Genetics, Univ. Regensburg, Univ. Regensburg); PubMed 21228398 (cited by Institute of Human Genetics, Univ. Regensburg, Univ. Regensburg and Baylor Genetics); PubMed 23692791 (cited by Institute of Human Genetics, Univ. Regensburg, Univ. Regensburg and Baylor Genetics); PubMed 24716072 (cited by Institute of Human Genetics, Univ. Regensburg, Univ. Regensburg); PubMed 26116953 (cited by Institute of Human Genetics, Univ. Regensburg, Univ. Regensburg); PubMed 26990548 (cited by Institute of Human Genetics, Univ. Regensburg, Univ. Regensburg); PubMed 27899390 (cited by Institute of Human Genetics, Univ. Regensburg, Univ. Regensburg); PubMed 26620804 (cited by Institute of Human Genetics, Univ. Regensburg, Univ. Regensburg); PubMed 28638818 (cited by Institute of Human Genetics, Univ. Regensburg, Univ. Regensburg); PubMed 30030262 (cited by Institute of Human Genetics, Univ. Regensburg, Univ. Regensburg); PubMed 29290516 (cited by Institute of Human Genetics, Univ. Regensburg, Univ. Regensburg); PubMed 30148429 (cited by Institute of Human Genetics, Univ. Regensburg, Univ. Regensburg); PubMed 31589614 (cited by Institute of Human Genetics, Univ. Regensburg, Univ. Regensburg); PubMed 30609409 (cited by Institute of Human Genetics, Univ. Regensburg, Univ. Regensburg); PubMed 30783801 (cited by Institute of Human Genetics, Univ. Regensburg, Univ. Regensburg); PubMed 31664448 (cited by Institute of Human Genetics, Univ. Regensburg, Univ. Regensburg); PubMed 34573280 (cited by Institute of Human Genetics, Univ. Regensburg, Univ. Regensburg); PubMed 34426522 (cited by Institute of Human Genetics, Univ. Regensburg, Univ. Regensburg); PubMed 32888943 (cited by Institute of Human Genetics, Univ. Regensburg, Univ. Regensburg); PubMed 34054914 (cited by Institute of Human Genetics, Univ. Regensburg, Univ. Regensburg); PubMed 35753512 (cited by Institute of Human Genetics, Univ. Regensburg, Univ. Regensburg); PubMed 36703223 (cited by Institute of Human Genetics, Univ. Regensburg, Univ. Regensburg); PubMed 36730507 (cited by Institute of Human Genetics, Univ. Regensburg, Univ. Regensburg); PubMed 27012807 (cited by Victorian Clinical Genetics Services, Murdoch Childrens Research Institute); PubMed 15149516 (cited by Ambry Genetics); PubMed 26633545 (cited by Baylor Genetics).